The following is an entry in ClinVar:

ClinVar aggregate classification (germline): Likely benign. Review status: criteria provided, multiple submitters, no conflicts (2 of 4 stars). 2 submissions from 2 submitters: Likely benign (2). Last evaluated 2022-04-08.

Conditions:
Developmental and epileptic encephalopathy, 25 (DEE25). Also called: Epileptic encephalopathy, early infantile, 25; Developmental and epileptic encephalopathy 25, with amelogenesis imperfecta; Epileptic encephalopathy, early infantile, 25, with amelogenesis imperfecta. Identifiers: Orphanet 442835, MedGen C4014621, MONDO:0014392, OMIM 615905.

Allele frequency attached by ClinVar (database versions not stated): gnomAD 0.00002 and 0.00003; gnomAD exomes 0.00002; TOPMed 0.00002; 1000 Genomes Project 30x 0.00016; 1000 Genomes Project 0.00020.
gnomAD v4.1: 42 of 1,613,738 alleles (0.0026%); highest among the groups gnomAD compares: East Asian, 0.047%; no homozygotes.

Submissions (2):

Labcorp Genetics (formerly Invitae), Labcorp
Classification: Likely benign for Developmental and epileptic encephalopathy, 25. Last evaluated: 2022-04-08. Review status: criteria provided, single submitter. Criteria: Invitae Variant Classification Sherloc (09022015). Collection method: clinical testing. Allele origin: germline.

GeneDx
Classification: Likely benign. Last evaluated: 2016-10-26. Review status: criteria provided, single submitter. Criteria: GeneDx Variant Classification (06012015). Collection method: clinical testing. Allele origin: germline. Affected: yes.
Comment: This variant is considered likely benign or benign based on one or more of the following criteria: it is a conservative change, it occurs at a poorly conserved position in the protein, it is predicted to be benign by multiple in silico algorithms, and/or has population frequency not consistent with disease.

NM_177550.5(SLC13A5):c.232-15C>T

Gene: SLC13A5 (solute carrier family 13 member 5; minus strand). Cytogenetic location: 17p13.1.
Variant type: single nucleotide variant.
Coding change: c.232-15C>T on transcript NM_177550.5 (MANE Select); 15 bases into the intron before coding-DNA position 232, C replaced by T.
Molecular consequence: intron variant.
Genome position (GRCh38, 1-based): chr17:6,706,793, G>A on the plus strand (C>T on the coding strand, the complement: SLC13A5 is on the minus strand). VCF-style: chr17-6706793-G-A. GRCh37 (hg19) VCF-style: chr17-6610112-G-A.
Other names: c.103-15C>T (NM_001284510.2); c.232-15C>T (NM_001284509.2, NM_001143838.3).
Identifiers: ClinVar variation 390536 (VCV000390536.6), dbSNP rs199904860, ClinGen allele CA8331801.